The following is an entry in ClinVar:

NM_021076.4(NEFH):c.328G>A (p.Gly110Arg)

Gene: NEFH (neurofilament heavy chain; plus strand). Cytogenetic location: 22q12.2.
Variant type: single nucleotide variant.
Coding change: c.328G>A on transcript NM_021076.4 (MANE Select); coding-DNA position 328, G replaced by A.
Protein change: p.Gly110Arg; replaces glycine 110 with arginine.
Molecular consequence: missense variant.
Genome position (GRCh38, 1-based): chr22:29,480,590, G>A. VCF-style: chr22-29480590-G-A. GRCh37 (hg19) VCF-style: chr22-29876579-G-A.
Other names: short protein forms G110R.
Identifiers: ClinVar variation 2012937 (VCV002012937.4), dbSNP rs865932358, ClinGen allele CA323082866.
Genomic context (GRCh38, chr22:29,480,590, plus strand): 5'-GCGGTGGCCACCTCACGCAGTGAGAAGGAGCAGCTGCAGGCGCTGAACGACCGCTTCGCC[G>A]GGTACATCGACAAGGTGCGGCAGCTGGAGGCGCACAACCGCAGCCTGGAGGGCGAGGCTG-3'
Protein context (NP_066554.2, residues 100-120): QLQALNDRFA[Gly110Arg]YIDKVRQLEA

ClinVar aggregate classification (germline): Uncertain significance (1 of 4 stars; one submission).

Submission:

Labcorp Genetics (formerly Invitae), Labcorp
Classification: Uncertain significance. Last evaluated: 2024-01-05. Review status: criteria provided, single submitter. Criteria: Invitae Variant Classification Sherloc (09022015). Collection method: clinical testing. Allele origin: germline.
Comment: This sequence change replaces glycine, which is neutral and non-polar, with arginine, which is basic and polar, at codon 110 of the NEFH protein (p.Gly110Arg). This variant is not present in population databases (gnomAD no frequency). This variant has not been reported in the literature in individuals affected with NEFH-related conditions. ClinVar contains an entry for this variant (Variation ID: 2012937). Experimental studies and prediction algorithms are not available or were not evaluated, and the functional significance of this variant is currently unknown. In summary, the available evidence is currently insufficient to determine the role of this variant in disease. Therefore, it has been classified as a Variant of Uncertain Significance.